The following is an entry in ClinVar:

ClinVar aggregate classification (germline): Pathogenic (1 of 4 stars; one submission).

Conditions:
Combined immunodeficiency due to DOCK8 deficiency (HIES2). Also called: HYPER-IgE RECURRENT INFECTION SYNDROME 2, AUTOSOMAL RECESSIVE; HIES autosomal recessive; Hyper-IgE recurrent infection syndrome, autosomal recessive; HYPER-IgE SYNDROME 2, AUTOSOMAL RECESSIVE, WITH RECURRENT INFECTIONS; DOCK8 Deficiency. Identifiers: Orphanet 217390, MedGen C4722305, MONDO:0009478, OMIM 243700.

Submission:

Labcorp Genetics (formerly Invitae), Labcorp
Classification: Pathogenic for Combined immunodeficiency due to DOCK8 deficiency. Last evaluated: 2025-09-04. Review status: criteria provided, single submitter. Criteria: Invitae Variant Classification Sherloc (09022015). Collection method: clinical testing. Allele origin: germline.
Comment: This sequence change creates a premature translational stop signal (p.Asn536Thrfs*35) in the DOCK8 gene. It is expected to result in an absent or disrupted protein product. Loss-of-function variants in DOCK8 are known to be pathogenic (PMID: 14722525, 19776401). This variant is not present in population databases (gnomAD no frequency). This variant has not been reported in the literature in individuals affected with DOCK8-related conditions. For these reasons, this variant has been classified as Pathogenic.

Literature cited by the submitters: PubMed 14722525; PubMed 19776401.

NM_203447.4(DOCK8):c.1607del (p.Asn536fs)

Gene: DOCK8 (dedicator of cytokinesis 8; plus strand). Cytogenetic location: 9p24.3.
Variant type: Deletion.
Coding change: c.1607del on transcript NM_203447.4 (MANE Select); coding-DNA position 1607, one base deleted (A; older notation c.1607delA).
Protein change: p.Asn536fs; shifts the reading frame from asparagine 536.
Molecular consequence: frameshift variant.
Genome position (GRCh38, 1-based): chr9:340,249, A deleted; the last of 4 consecutive A bases (chr9:340,246-340,249); deleting any one gives the same sequence. VCF-style (leftmost placement, unchanged base first): chr9-340245-GA-G. GRCh37 (hg19) VCF-style: chr9-340245-GA-G.
Other names: c.1403del, p.Asn468fs (NM_001190458.2, NM_001193536.2); short protein forms N536fs, N468fs.
Identifiers: ClinVar variation 4718841 (VCV004718841.1).